The following is an entry in ClinVar:

ClinVar aggregate classification (germline): Uncertain significance (1 of 4 stars; one submission).

Conditions:
Aicardi-Goutieres syndrome 3. Identifiers: Orphanet 51, MedGen C1835916, MONDO:0012471, OMIM 610329.

Allele frequency attached by ClinVar (database versions not stated): gnomAD 0.00001; gnomAD exomes 0.00001; TOPMed 0.00001.

Submission:

Labcorp Genetics (formerly Invitae), Labcorp
Classification: Uncertain significance for Aicardi-Goutieres syndrome 3. Last evaluated: 2022-08-23. Review status: criteria provided, single submitter. Criteria: Invitae Variant Classification Sherloc (09022015). Collection method: clinical testing. Allele origin: germline.
Comment: This sequence change replaces serine, which is neutral and polar, with phenylalanine, which is neutral and non-polar, at codon 18 of the RNASEH2C protein (p.Ser18Phe). This variant is present in population databases (no rsID available, gnomAD 0.008%). This variant has not been reported in the literature in individuals affected with RNASEH2C-related conditions. ClinVar contains an entry for this variant (Variation ID: 1396791). Algorithms developed to predict the effect of missense changes on protein structure and function (SIFT, PolyPhen-2, Align-GVGD) all suggest that this variant is likely to be tolerated. In summary, the available evidence is currently insufficient to determine the role of this variant in disease. Therefore, it has been classified as a Variant of Uncertain Significance.

NM_032193.4(RNASEH2C):c.53C>T (p.Ser18Phe)

Genes: RNASEH2C (ribonuclease H2 subunit C; minus strand), LOC130006061 (ATAC-STARR-seq lymphoblastoid silent region 3553; plus strand). Cytogenetic location: 11q13.1.
Variant type: single nucleotide variant.
Coding change: c.53C>T on transcript NM_032193.4 (MANE Select); coding-DNA position 53, C replaced by T.
Protein change: p.Ser18Phe; replaces serine 18 with phenylalanine.
Molecular consequence: missense variant.
Genome position (GRCh38, 1-based): chr11:65,720,706, G>A on the plus strand (C>T on the coding strand, the complement: RNASEH2C is on the minus strand). VCF-style: chr11-65720706-G-A. GRCh37 (hg19) VCF-style: chr11-65488177-G-A.
Other names: short protein forms S18F.
Identifiers: ClinVar variation 1396791 (VCV001396791.5), dbSNP rs1261921914, ClinGen allele CA381299561.
Genomic context (GRCh38, chr11:65,720,706, plus strand): 5'-ACCGCAACCTCGCAGGGCAGCAGATGCAGTGTGGCGGGTACGGCGTCGCGCAATGTGGCG[G>A]AGCGCAAGTGGACGCGGTGCCTCTCGATGGCCGCTTCGTCGCCGCTCTCCATCCTCCCTC-3'
Protein context (NP_115569.2, residues 8-28): AIERHRVHLR[Ser18Phe]ATLRDAVPAT